The following is an entry in ClinVar:

ClinVar aggregate classification (germline): Uncertain significance (1 of 4 stars; one submission).

Conditions:
Familial thoracic aortic aneurysm and aortic dissection (TAAD). Also called: Thoracic aortic aneurysms and dissections. Identifiers: Orphanet 91387, MedGen C4707243, MONDO:0019625.

gnomAD v4.1: 3 of 1,613,126 alleles (0.00019%); highest among the groups gnomAD compares: East Asian, 0.0022%; no homozygotes.

Submission:

Ambry Genetics
Classification: Uncertain significance for Familial thoracic aortic aneurysm and aortic dissection. Last evaluated: 2026-07-31. Review status: criteria provided, single submitter. Criteria: Ambry Variant Classification Scheme 2023. Collection method: clinical testing. Allele origin: germline.
Comment: The p.L2911P variant (also known as c.8732T>C), located in coding exon 65 of the FBN2 gene, results from a T to C substitution at nucleotide position 8732. The leucine at codon 2911 is replaced by proline, an amino acid with similar properties. This amino acid position is conserved. In addition, this alteration is predicted to be deleterious by in silico analysis. Based on the available evidence, the clinical significance of this variant remains unclear.

NM_001999.4(FBN2):c.8732T>C (p.Leu2911Pro)

Gene: FBN2 (fibrillin 2; minus strand). Cytogenetic location: 5q23.3.
Variant type: single nucleotide variant.
Coding change: c.8732T>C on transcript NM_001999.4 (MANE Select); coding-DNA position 8732, T replaced by C.
Protein change: p.Leu2911Pro; replaces leucine 2911 with proline.
Molecular consequence: missense variant.
Genome position (GRCh38, 1-based): chr5:128,259,462, A>G on the plus strand (T>C on the coding strand, the complement: FBN2 is on the minus strand). VCF-style: chr5-128259462-A-G. GRCh37 (hg19) VCF-style: chr5-127595154-A-G.
Other names: short protein forms L2911P.
Identifiers: ClinVar variation 5021632 (VCV005021632.1).
Genomic context (GRCh38, chr5:128,259,462, plus strand): 5'-TTCTGCAGACTGGCTGTGCTAGGATTTGAGCCTGGGCCCAAGTCTGTGAAGGGTTAATAG[A>G]GCTGAATCTGCAGCCTCATTCTGAGAGCCTCCCCAAGCTCCCCTAGGAGGTAGTCATCCT-3'
Protein context (NP_001990.2, residues 2901-2912): EALRMRLQIQ[Leu2911Pro]Y